The following is an entry in ClinVar:

ClinVar aggregate classification (germline): Conflicting classifications of pathogenicity. Review status: criteria provided, conflicting classifications (1 of 4 stars). 3 submissions from 3 submitters: Uncertain significance (2); Likely benign (1). Last evaluated 2024-10-21.

Conditions:
Inborn genetic diseases. Identifiers: MedGen C0950123, MeSH D030342.
SIN3A-related intellectual disability syndrome due to a point mutation. Also called: WITTEVEEN-KOLK SYNDROME; 15q24 Microdeletion Syndrome. Identifiers: Orphanet 500166, Orphanet 94065, MedGen C4310804, MONDO:0044700, OMIM 613406.

Allele frequency attached by ClinVar (database versions not stated): ExAC 0.00001; gnomAD 0.00003; gnomAD exomes 0.00003 and 0.00015; TOPMed 0.00003; ESP Exome Variant Server 0.00008.
gnomAD v4.1: 215 of 1,614,084 alleles (0.013%); highest among the groups gnomAD compares: Non-Finnish European, 0.018%; no homozygotes.

Submissions (3):

Labcorp Genetics (formerly Invitae), Labcorp
Classification: Uncertain significance. Last evaluated: 2024-10-21. Review status: criteria provided, single submitter. Criteria: Invitae Variant Classification Sherloc (09022015). Collection method: clinical testing. Allele origin: germline.
Comment: This sequence change replaces arginine, which is basic and polar, with glutamine, which is neutral and polar, at codon 928 of the SIN3A protein (p.Arg928Gln). This variant is present in population databases (rs367989965, gnomAD 0.007%). This missense change has been observed in individual(s) with clinical features of SIN3A-related conditions (internal data). ClinVar contains an entry for this variant (Variation ID: 1036145). Invitae Evidence Modeling of protein sequence and biophysical properties (such as structural, functional, and spatial information, amino acid conservation, physicochemical variation, residue mobility, and thermodynamic stability) indicates that this missense variant is not expected to disrupt SIN3A protein function with a negative predictive value of 80%. In summary, the available evidence is currently insufficient to determine the role of this variant in disease. Therefore, it has been classified as a Variant of Uncertain Significance.

Ambry Genetics
Classification: Likely benign for Inborn genetic diseases. Last evaluated: 2024-08-27. Review status: criteria provided, single submitter. Criteria: Ambry Variant Classification Scheme 2023. Collection method: clinical testing. Allele origin: germline.

Revvity Omics, Revvity
Classification: Uncertain significance for SIN3A-related intellectual disability syndrome due to a point mutation. Last evaluated: 2019-05-02. Review status: criteria provided, single submitter. Criteria: ACMG Guidelines, 2015. Collection method: clinical testing. Allele origin: germline.

NM_001145358.2(SIN3A):c.2783G>A (p.Arg928Gln)

Gene: SIN3A (SIN3 transcription regulator family member A; minus strand). Cytogenetic location: 15q24.2.
Variant type: single nucleotide variant.
Coding change: c.2783G>A on transcript NM_001145358.2 (MANE Select); coding-DNA position 2783, G replaced by A.
Protein change: p.Arg928Gln; replaces arginine 928 with glutamine.
Molecular consequence: missense variant.
Genome position (GRCh38, 1-based): chr15:75,392,310, C>T on the plus strand (G>A on the coding strand, the complement: SIN3A is on the minus strand). VCF-style: chr15-75392310-C-T. GRCh37 (hg19) VCF-style: chr15-75684651-C-T.
Other names: c.2783G>A (NM_001145358.1); c.2783G>A, p.Arg928Gln (NM_001145357.2, NM_015477.3); short protein forms R928Q.
Identifiers: ClinVar variation 1036145 (VCV001036145.12), dbSNP rs367989965, ClinGen allele CA7667408.
Genomic context (GRCh38, chr15:75,392,310, plus strand): 5'-TTGAGACGTAGCTGAATGGCAGGGCTGTCACTCTTGTCTCGCTTTATGCCCAGCACTTCC[C>T]GTTCCCATTCTCTCTCTCGGTTTTCTTCTTCAATTTGCCGTTCGGCTTGGGAACAAATCC-3'
Protein context (NP_001138830.1, residues 918-938): EEENREREWE[Arg928Gln]EVLGIKRDKS